The following is an entry in ClinVar:

NM_004380.3(CREBBP):c.2881C>T (p.Leu961Phe)

Gene: CREBBP (CREB binding protein; minus strand). Cytogenetic location: 16p13.3.
Variant type: single nucleotide variant.
Coding change: c.2881C>T on transcript NM_004380.3 (MANE Select); coding-DNA position 2881, C replaced by T.
Protein change: p.Leu961Phe; replaces leucine 961 with phenylalanine.
Molecular consequence: missense variant.
Genome position (GRCh38, 1-based): chr16:3,769,353, G>A on the plus strand (C>T on the coding strand, the complement: CREBBP is on the minus strand). VCF-style: chr16-3769353-G-A. GRCh37 (hg19) VCF-style: chr16-3819354-G-A.
Other names: c.2767C>T, p.Leu923Phe (NM_001079846.1); short protein forms L923F, L961F.
Identifiers: ClinVar variation 3343913 (VCV003343913.2).

ClinVar aggregate classification (germline): Uncertain significance. Review status: criteria provided, multiple submitters, no conflicts (2 of 4 stars). 2 submissions from 2 submitters: Uncertain significance (2). Last evaluated 2025-03-04.

Submissions (2):

Women's Health and Genetics/Laboratory Corporation of America, LabCorp
Classification: Uncertain significance. Last evaluated: 2025-03-04. Review status: criteria provided, single submitter. Criteria: LabCorp Variant Classification Summary - May 2015. Collection method: clinical testing. Allele origin: germline.
Comment: Variant summary: CREBBP c.2881C>T (p.Leu961Phe) results in a non-conservative amino acid change in the encoded protein sequence. Four of five in-silico tools predict a damaging effect of the variant on protein function. Consensus agreement among computation tools predict no significant impact on normal splicing. However, these predictions have yet to be confirmed by functional studies. The variant was absent in 250792 control chromosomes. The available data on variant occurrences in the general population are insufficient to allow any conclusion about variant significance. To our knowledge, no occurrence of c.2881C>T in individuals affected with Rubinstein-Taybi Syndrome and no experimental evidence demonstrating its impact on protein function have been reported. ClinVar contains an entry for this variant (Variation ID: 3343913). Based on the evidence outlined above, the variant was classified as uncertain significance.

GeneDx
Classification: Uncertain significance. Last evaluated: 2023-12-13. Review status: criteria provided, single submitter. Criteria: GeneDx Variant Classification Process June 2021. Collection method: clinical testing. Allele origin: germline. Affected: yes.
Comment: Not observed at significant frequency in large population cohorts (gnomAD); In silico analysis supports that this missense variant has a deleterious effect on protein structure/function; Has not been previously published as pathogenic or benign to our knowledge